The following is an entry in ClinVar:

ClinVar aggregate classification (germline): Likely benign. Review status: criteria provided, single submitter (1 of 4 stars). 2 submissions from 2 submitters: Likely benign (1). 1 of the submissions does not count toward it.

Conditions:
SEMA3G-related disorder. Also called: SEMA3G-related condition.

Allele frequency attached by ClinVar (database versions not stated): gnomAD exomes 0.00001; ExAC 0.00004; TOPMed 0.00008; gnomAD 0.00009; ESP Exome Variant Server 0.00016.
gnomAD v4.1: 29 of 1,610,540 alleles (0.0018%); highest among the groups gnomAD compares: African/African-American, 0.032%; no homozygotes.

Submissions (2):

Breakthrough Genomics
Classification: Likely benign. Review status: criteria provided, single submitter. Criteria: ACMG Guidelines, 2015. Collection method: not provided. Allele origin: germline. Inheritance: Unknown mechanism. Affected: yes.

PreventionGenetics, part of Exact Sciences
Classification: Likely benign for SEMA3G-related condition. Last evaluated: 2022-04-06. Review status: no assertion criteria provided. Collection method: clinical testing. Allele origin: germline. Not counted in ClinVar's aggregate classification.
Comment: This variant is classified as likely benign based on ACMG/AMP sequence variant interpretation guidelines (Richards et al. 2015 PMID: 25741868, with internal and published modifications).

NM_020163.3(SEMA3G):c.1738+6T>C

Gene: SEMA3G (semaphorin 3G; minus strand). Cytogenetic location: 3p21.1.
Variant type: single nucleotide variant.
Coding change: c.1738+6T>C on transcript NM_020163.3 (MANE Select); 6 bases into the intron after coding-DNA position 1738, T replaced by C.
Molecular consequence: intron variant.
Genome position (GRCh38, 1-based): chr3:52,437,965, A>G on the plus strand (T>C on the coding strand, the complement: SEMA3G is on the minus strand). VCF-style: chr3-52437965-A-G. GRCh37 (hg19) VCF-style: chr3-52471981-A-G.
Identifiers: ClinVar variation 3040806 (VCV003040806.3), dbSNP rs372245751, ClinGen allele CA2437841.
Genomic context (GRCh38, chr3:52,437,965, plus strand): 5'-GGGTGGAGCCGGGCCACAGGGGTGAGTTCCAGCCCAGTCTGGGCCCTCCCACCTGCCACC[A>G]CTCACCTTCCTGGCTCTGGCCCAGGCACTGCAGGGCAGGGTTGCCGTGCCGGATGTCCTG-3'